The following is an entry in ClinVar:

ClinVar aggregate classification (germline): Uncertain significance (0 of 4 stars; one submission).

Conditions:
SH2B1-related disorder. Also called: SH2B1-related condition.

gnomAD v4.1: 57 of 1,609,884 alleles (0.0035%); highest among the groups gnomAD compares: Non-Finnish European, 0.0044%; no homozygotes.

Submission:

PreventionGenetics, part of Exact Sciences
Classification: Uncertain significance for SH2B1-related condition. Last evaluated: 2024-05-17. Review status: no assertion criteria provided. Collection method: clinical testing. Allele origin: germline.
Comment: The SH2B1 c.130C>T variant is predicted to result in the amino acid substitution p.Arg44Cys. This variant has been reported in individuals with obesity (Flores et al. 2019. PubMed ID: 31439647; Lu et al. 2022 PubMed ID: 34741523). In vitro functional studies demonstrate that this variant does not impair the ability of SH2B1 to stimulate nerve growth factor (NGF)-induced neurite outgrowth (Flores et al. 2019. PubMed ID: 31439647). This variant is reported in 0.0085% of alleles in individuals of African descent in gnomAD. At this time, the clinical significance of this variant is uncertain due to the absence of conclusive functional and genetic evidence.

NM_001387430.1(SH2B1):c.130C>T (p.Arg44Cys)

Gene: SH2B1 (SH2B adaptor protein 1; plus strand). Cytogenetic location: 16p11.2.
Variant type: single nucleotide variant.
Coding change: c.130C>T on transcript NM_001387430.1 (MANE Select); coding-DNA position 130, C replaced by T.
Protein change: p.Arg44Cys; replaces arginine 44 with cysteine.
Molecular consequence: missense variant. On other transcripts: intron variant (1).
Genome position (GRCh38, 1-based): chr16:28,866,224, C>T. VCF-style: chr16-28866224-C-T. GRCh37 (hg19) VCF-style: chr16-28877545-C-T.
Other names: c.130C>T, p.Arg44Cys (NM_001145795.2, NM_001145796.2, NM_001145797.2 and 4 more transcripts); c.-26-1150C>T (NM_001308294.2); short protein forms R44C.
Identifiers: ClinVar variation 3354058 (VCV003354058.1).